The following is an entry in ClinVar:

NM_004995.4(MMP14):c.687T>C (p.Asn229=)

Gene: MMP14 (matrix metallopeptidase 14; plus strand). Cytogenetic location: 14q11.2.
Variant type: single nucleotide variant.
Coding change: c.687T>C on transcript NM_004995.4 (MANE Select); coding-DNA position 687, T replaced by C.
Protein change: p.Asn229=; no amino-acid change (asparagine 229 retained).
Molecular consequence: synonymous variant.
Genome position (GRCh38, 1-based): chr14:22,842,716, T>C. VCF-style: chr14-22842716-T-C. GRCh37 (hg19) VCF-style: chr14-23311925-T-C.
Identifiers: ClinVar variation 3020370 (VCV003020370.3), dbSNP rs1157865119, ClinGen allele CA485590938.

ClinVar aggregate classification (germline): Uncertain significance (1 of 4 stars; one submission).

Allele frequency attached by ClinVar (database versions not stated): TOPMed 0.00002; gnomAD 0.00003.
gnomAD v4.1: 17 of 1,594,036 alleles (0.0011%); highest among the groups gnomAD compares: Non-Finnish European, 0.0015%; no homozygotes.

Submission:

Labcorp Genetics (formerly Invitae), Labcorp
Classification: Uncertain significance. Last evaluated: 2024-10-03. Review status: criteria provided, single submitter. Criteria: Invitae Variant Classification Sherloc (09022015). Collection method: clinical testing. Allele origin: germline.
Comment: This sequence change affects codon 229 of the MMP14 mRNA. It is a 'silent' change, meaning that it does not change the encoded amino acid sequence of the MMP14 protein. It affects a nucleotide within the consensus splice site. This variant is present in population databases (no rsID available, gnomAD 0.007%). This variant has not been reported in the literature in individuals affected with MMP14-related conditions. Algorithms developed to predict the effect of sequence changes on RNA splicing suggest that this variant is not likely to affect RNA splicing. In summary, the available evidence is currently insufficient to determine the role of this variant in disease. Therefore, it has been classified as a Variant of Uncertain Significance.